The following is an entry in ClinVar:

ClinVar aggregate classification (germline): Uncertain significance (1 of 4 stars; one submission).

Conditions:
Neuropathy, hereditary sensory, type 2C. Also called: Hereditary sensory and autonomic neuropathy type IIC; KIF1A-Related HSAN2 (HSAN2C). Identifiers: Orphanet 970, MedGen C3280168, MONDO:0013634, OMIM 614213.
Intellectual disability, autosomal dominant 9 (NESCAVS). Also called: KIF1A-Related Neurodevelopmental Disorder; NESCAV SYNDROME. Identifiers: Orphanet 662367, MedGen C5393830, MONDO:0013656, OMIM 614255.
Hereditary spastic paraplegia 30. Identifiers: Orphanet 101010, MedGen C5235139, MONDO:0012476.

Submission:

Labcorp Genetics (formerly Invitae), Labcorp
Classification: Uncertain significance for Hereditary spastic paraplegia 30; Neuropathy, hereditary sensory, type 2C; Intellectual disability, autosomal dominant 9. Last evaluated: 2021-08-12. Review status: criteria provided, single submitter. Criteria: Invitae Variant Classification Sherloc (09022015). Collection method: clinical testing. Allele origin: germline.
Comment: This variant results in a copy number gain of the genomic region encompassing exon(s) 38-46 of the KIF1A gene. This region includes the termination codon of the gene. This copy number gain extends beyond the assayed region for this gene and therefore may encompass additional genes. As the precise location of this event is unknown, it may be in tandem or it may be located elsewhere in the genome. This variant has not been reported in the literature in individuals affected with KIF1A-related conditions. In summary, the available evidence is currently insufficient to determine the role of this variant in disease. Therefore, it has been classified as a Variant of Uncertain Significance.

NC_000002.11:g.(?_241656761)_(241663473_?)dup

Gene: KIF1A (kinesin family member 1A; minus strand). Cytogenetic location: 2q37.3.
Variant type: Duplication.
Identifiers: ClinVar variation 1007542 (VCV001007542.2).